The following is an entry in ClinVar:

NM_001378615.1(CC2D2A):c.166C>T (p.His56Tyr)

Genes: CC2D2A (coiled-coil and C2 domain containing 2A; plus strand), FBXL5 (F-box and leucine rich repeat protein 5; minus strand). Cytogenetic location: 4p15.32.
Variant type: single nucleotide variant.
Coding change: c.166C>T on transcript NM_001378615.1 (MANE Select); coding-DNA position 166, C replaced by T.
Protein change: p.His56Tyr; replaces histidine 56 with tyrosine.
Molecular consequence: missense variant.
Genome position (GRCh38, 1-based): chr4:15,480,746, C>T. VCF-style: chr4-15480746-C-T. GRCh37 (hg19) VCF-style: chr4-15482370-C-T.
Other names: c.166C>T, p.His56Tyr (NM_001080522.2, NM_001164720.3); c.19C>T, p.His7Tyr (NM_001378617.1); c.272C>T, p.Pro91Leu (NM_020785.2); short protein forms H56Y, H7Y, P91L.
Identifiers: ClinVar variation 1039410 (VCV001039410.6), dbSNP rs758324715, ClinGen allele CA2863296.
Genomic context (GRCh38, chr4:15,480,746, plus strand): 5'-CTGACCTTCTTCCTCCAGCCACCAACTGCTGTCCCCAAGGAAATGGTGTCCGAAAAATCC[C>T]ACCTTGGCAACCCCCAGGAGCCTGTGCAGGAGGAGCCCAAGACCCGCCTCCTGAGTATGA-3'
Protein context (NP_001365544.1, residues 46-66): VPKEMVSEKS[His56Tyr]LGNPQEPVQE

ClinVar aggregate classification (germline): Uncertain significance (1 of 4 stars; one submission).

Conditions:
Joubert syndrome. Also called: JOUBERT-BOLTSHAUSER SYNDROME; Familial aplasia of the vermis. Identifiers: Orphanet 475, MedGen C5979921, MONDO:0018772.
Meckel-Gruber syndrome. Also called: Dysencephalia splachnocystica; DYSENCEPHALIA SPLANCHNOCYSTICA; GRUBER SYNDROME. Identifiers: Orphanet 564, MedGen C0265215, MONDO:0018921.

Allele frequency attached by ClinVar (database versions not stated): gnomAD exomes 0.00001 and 0.00003; ExAC 0.00002; gnomAD 0.00002.
gnomAD v4.1: 50 of 1,612,426 alleles (0.0031%); highest among the groups gnomAD compares: Non-Finnish European, 0.0034%; no homozygotes.

Submission:

Labcorp Genetics (formerly Invitae), Labcorp
Classification: Uncertain significance for Joubert syndrome; Meckel-Gruber syndrome. Last evaluated: 2022-10-04. Review status: criteria provided, single submitter. Criteria: Invitae Variant Classification Sherloc (09022015). Collection method: clinical testing. Allele origin: germline.
Comment: This sequence change replaces histidine, which is basic and polar, with tyrosine, which is neutral and polar, at codon 56 of the CC2D2A protein (p.His56Tyr). This variant is present in population databases (rs758324715, gnomAD 0.003%). This variant has not been reported in the literature in individuals affected with CC2D2A-related conditions. ClinVar contains an entry for this variant (Variation ID: 1039410). Advanced modeling of protein sequence and biophysical properties (such as structural, functional, and spatial information, amino acid conservation, physicochemical variation, residue mobility, and thermodynamic stability) performed at Invitae indicates that this missense variant is not expected to disrupt CC2D2A protein function. In summary, the available evidence is currently insufficient to determine the role of this variant in disease. Therefore, it has been classified as a Variant of Uncertain Significance.